The following is an entry in ClinVar:

ClinVar aggregate classification (germline): Pathogenic (1 of 4 stars; one submission).

Conditions:
Inborn genetic diseases. Identifiers: MedGen C0950123, MeSH D030342.

Submission:

Ambry Genetics
Classification: Pathogenic for Inborn genetic diseases. Last evaluated: 2023-01-26. Review status: criteria provided, single submitter. Criteria: Ambry Variant Classification Scheme 2023. Collection method: clinical testing. Allele origin: germline.
Comment: The c.3016-1G>A intronic variant results from a G to A substitution one nucleotide before coding exon 17 of the TANC2 gene. Alterations that disrupt the canonical splice site are expected to cause aberrant splicing, resulting in an abnormal protein or a transcript that is subject to nonsense-mediated mRNA decay. This variant was not reported in population-based cohorts in the Genome Aggregation Database (gnomAD). This variant has been previously reported as heterozygous in an individual with abnormality of eye movement, behavioral abnormality, delayed speech and language development, diminished ability to concentrate, and specific learning disability (Bertoli-Avella, 2021). This nucleotide position is highly conserved in available vertebrate species. In silico splice site analysis predicts that this alteration will weaken the native splice acceptor site and will result in the creation or strengthening of a novel splice acceptor site. Based on the available evidence, this alteration is classified as pathogenic.

Literature cited by the submitters: PubMed 31616000; PubMed 33875846.

NM_001394998.1(TANC2):c.3238-1G>A

Genes: TANC2 (tetratricopeptide repeat, ankyrin repeat and coiled-coil containing 2; plus strand), LOC105371856 (uncharacterized LOC105371856; minus strand). Cytogenetic location: 17q23.3.
Variant type: single nucleotide variant.
Coding change: c.3238-1G>A on transcript NM_001394998.1 (MANE Select); the canonical splice acceptor site of the intron before coding-DNA position 3238, G replaced by A.
Molecular consequence: splice acceptor variant.
Genome position (GRCh38, 1-based): chr17:63,398,820, G>A. VCF-style: chr17-63398820-G-A. GRCh37 (hg19) VCF-style: chr17-61476181-G-A.
Other names: c.3016-1G>A (NM_001411076.1, NM_025185.4).
Identifiers: ClinVar variation 2473835 (VCV002473835.2), dbSNP rs2510300272, ClinGen allele CA400534334.